The following is an entry in ClinVar:

ClinVar aggregate classification (germline): Uncertain significance (1 of 4 stars; one submission).

Allele frequency attached by ClinVar (database versions not stated): gnomAD 0.00002; ExAC 0.00010.
gnomAD v4.1: 17 of 1,545,382 alleles (0.0011%); highest among the groups gnomAD compares: African/African-American, 0.0055%; no homozygotes.

Submission:

Labcorp Genetics (formerly Invitae), Labcorp
Classification: Uncertain significance. Last evaluated: 2025-06-22. Review status: criteria provided, single submitter. Criteria: Invitae Variant Classification Sherloc (09022015). Collection method: clinical testing. Allele origin: germline.
Comment: This sequence change replaces arginine, which is basic and polar, with histidine, which is basic and polar, at codon 1498 of the TET2 protein (p.Arg1498His). This variant is present in population databases (rs777027345, gnomAD 0.01%). This variant has not been reported in the literature in individuals affected with TET2-related conditions. ClinVar contains an entry for this variant (Variation ID: 2891635). An algorithm developed to predict the effect of missense changes on protein structure and function (PolyPhen-2) suggests that this variant is likely to be tolerated. In summary, the available evidence is currently insufficient to determine the role of this variant in disease. Therefore, it has been classified as a Variant of Uncertain Significance.

NM_001127208.3(TET2):c.4493G>A (p.Arg1498His)

Genes: TET2 (tet methylcytosine dioxygenase 2; plus strand), TET2-AS1 (TET2 antisense RNA 1; minus strand). Cytogenetic location: 4q24.
Variant type: single nucleotide variant.
Coding change: c.4493G>A on transcript NM_001127208.3 (MANE Select); coding-DNA position 4493, G replaced by A.
Protein change: p.Arg1498His; replaces arginine 1498 with histidine.
Molecular consequence: missense variant.
Genome position (GRCh38, 1-based): chr4:105,272,874, G>A. VCF-style: chr4-105272874-G-A. GRCh37 (hg19) VCF-style: chr4-106194031-G-A.
Other names: short protein forms R1498H.
Identifiers: ClinVar variation 2891635 (VCV002891635.3), dbSNP rs777027345, ClinGen allele CA3032200.